The following is an entry in ClinVar:

NM_000159.4(GCDH):c.891C>T (p.Ile297=)

Gene: GCDH (glutaryl-CoA dehydrogenase; plus strand). Cytogenetic location: 19p13.13.
Variant type: single nucleotide variant.
Coding change: c.891C>T on transcript NM_000159.4 (MANE Select); coding-DNA position 891, C replaced by T.
Protein change: p.Ile297=; no amino-acid change (isoleucine 297 retained).
Molecular consequence: synonymous variant. On other transcripts: non-coding transcript variant (2).
Genome position (GRCh38, 1-based): chr19:12,896,948, C>T. VCF-style: chr19-12896948-C-T. GRCh37 (hg19) VCF-style: chr19-13007762-C-T.
Other names: c.891C>T, p.Ile297= (NM_013976.5).
Identifiers: ClinVar variation 513234 (VCV000513234.13), dbSNP rs143102910, ClinGen allele CA9234538.

ClinVar aggregate classification (germline): Likely benign. Review status: criteria provided, multiple submitters, no conflicts (2 of 4 stars). 3 submissions from 3 submitters: Likely benign (3). Last evaluated 2025-10-29.

Conditions:
Inborn genetic diseases. Identifiers: MedGen C0950123, MeSH D030342.
Glutaric aciduria, type 1. Also called: Glutaric Acidemia Type 1; GA I; Glutaric acidemia type I; Glutaricacidemia Type 1; Glutaricaciduria, type I; Glutaryl-CoA dehydrogenase deficiency. Identifiers: Orphanet 25, MedGen C0268595, MONDO:0009281, OMIM 231670.

Allele frequency attached by ClinVar (database versions not stated): gnomAD exomes 0.00001 and 0.00002; ExAC 0.00002; gnomAD 0.00002 and 0.00003; TOPMed 0.00009; ESP Exome Variant Server 0.00023.

Submissions (3):

Labcorp Genetics (formerly Invitae), Labcorp
Classification: Likely benign for Glutaric aciduria, type 1. Last evaluated: 2025-10-29. Review status: criteria provided, single submitter. Criteria: Invitae Variant Classification Sherloc (09022015). Collection method: clinical testing. Allele origin: germline.

Ambry Genetics
Classification: Likely benign for Inborn genetic diseases. Last evaluated: 2024-06-21. Review status: criteria provided, single submitter. Criteria: Ambry Variant Classification Scheme 2023. Collection method: clinical testing. Allele origin: germline.

GeneDx
Classification: Likely benign. Last evaluated: 2017-11-17. Review status: criteria provided, single submitter. Criteria: GeneDx Variant Classification (06012015). Collection method: clinical testing. Allele origin: germline. Affected: yes.
Comment: This variant is considered likely benign or benign based on one or more of the following criteria: it is a conservative change, it occurs at a poorly conserved position in the protein, it is predicted to be benign by multiple in silico algorithms, and/or has population frequency not consistent with disease.